The following is an entry in ClinVar:

NM_007294.4(BRCA1):c.4045_4046insTA (p.Thr1349fs)

Genes: BRCA1 (BRCA1 DNA repair associated; minus strand), LOC126862571 (BRD4-independent group 4 enhancer GRCh37_chr17:41243136-41244335; plus strand). Cytogenetic location: 17q21.31.
Variant type: Insertion.
Coding change: c.4045_4046insTA on transcript NM_007294.4 (MANE Select); coding-DNA positions 4045 to 4046, TA inserted.
Protein change: p.Thr1349fs; shifts the reading frame from threonine 1349.
Molecular consequence: frameshift variant. On other transcripts: intron variant (135).
Genome position: GRCh38 VCF-style: chr17-43091485-G-GTA. GRCh37 (hg19) VCF-style: chr17-41243502-G-GTA.
Other names: c.578-454_578-453insAT (NM_001408513.1, NM_001408489.1, NM_001408479.1 and 9 more transcripts); c.521-454_521-453insAT (NM_001408503.1, NM_001408505.1, NM_001408504.1); c.524-454_524-453insAT (NM_001408500.1, NM_001408497.1, NM_001408496.1 and 3 more transcripts); c.647-454_647-453insAT (NM_001408466.1, NM_001408452.1, NM_001408457.1 and 11 more transcripts); c.788-454_788-453insAT (NM_001407973.1, NM_001407980.1, NM_001407993.1 and 17 more transcripts); c.404-454_404-453insAT (NM_001408511.1); c.461-454_461-453insAT (NM_001408507.1, NM_001408506.1); c.545-454_545-453insAT (NM_001408495.1); and 41 more; short protein forms T1349fs, T1302fs, T1053fs, T1278fs, T1282fs, T1322fs, T1221fs, T1222fs.
Identifiers: ClinVar variation 662073 (VCV000662073.8), dbSNP rs1597859750, ClinGen allele CA915950089.
Genomic context (GRCh38, chr17:43,091,485, plus strand): 5'-GTTCCAATACCTAAGTTTGAATCCATGCTTTGCTCTTCTTGATTATTTTCTTCCAAGCCC[G>GTA]TTCCTCTTTCTTCATCATCTGAAACCAATTCCTTGTCACTCAGACCAACTCCCTGGCTTT-3'

ClinVar aggregate classification (germline): Pathogenic (1 of 4 stars; one submission).

Conditions:
Hereditary breast ovarian cancer syndrome. Also called: Hereditary breast and ovarian cancer syndrome (HBOC); Hereditary breast and ovarian cancer syndrome; Breast and ovarian cancer; Hereditary breast and ovarian cancer; Hereditary breast and/or ovarian cancer syndrome; BRCA1- and BRCA2-Associated Hereditary Breast and Ovarian Cancer. Identifiers: Orphanet 145, MedGen C0677776, MeSH D061325, MONDO:0003582. Disease mechanism: loss of function.

Submission:

Labcorp Genetics (formerly Invitae), Labcorp
Classification: Pathogenic for Hereditary breast ovarian cancer syndrome. Last evaluated: 2018-07-10. Review status: criteria provided, single submitter. Criteria: Invitae Variant Classification Sherloc (09022015). Collection method: clinical testing. Allele origin: germline.
Comment: This sequence change creates a premature translational stop signal (p.Thr1349Ilefs*18) in the BRCA1 gene. It is expected to result in an absent or disrupted protein product. For these reasons, this variant has been classified as Pathogenic. Loss-of-function variants in BRCA1 are known to be pathogenic (PMID: 20104584). This variant has not been reported in the literature in individuals with BRCA1-related disease. This variant is not present in population databases (ExAC no frequency).

Literature cited by the submitters: PubMed 20104584.